The following is an entry in ClinVar:

ClinVar aggregate classification (germline): Likely benign (1 of 4 stars; one submission).

gnomAD v4.1: 41 of 1,611,998 alleles (0.0025%); highest among the groups gnomAD compares: Non-Finnish European, 0.0034%; no homozygotes.

Submission:

CeGaT Center for Human Genetics Tuebingen
Classification: Likely benign. Last evaluated: 2025-08-01. Review status: criteria provided, single submitter. Criteria: CeGaT Center For Human Genetics Tuebingen Variant Classification Criteria Version 2. Collection method: clinical testing. Allele origin: germline. Affected: yes. Observed: 1 variant allele.
Comment: ADGRL1: BP5

NM_014921.5(ADGRL1):c.4035G>C (p.Gln1345His)

Genes: ADGRL1 (adhesion G protein-coupled receptor L1; minus strand), ADGRL1-AS1 (ADGRL1 antisense RNA 1; plus strand). Cytogenetic location: 19p13.12.
Variant type: single nucleotide variant.
Coding change: c.4035G>C on transcript NM_014921.5 (MANE Select); coding-DNA position 4035, G replaced by C.
Protein change: p.Gln1345His; replaces glutamine 1345 with histidine.
Molecular consequence: missense variant.
Genome position (GRCh38, 1-based): chr19:14,151,248, C>G on the plus strand (G>C on the coding strand, the complement: ADGRL1 is on the minus strand). VCF-style: chr19-14151248-C-G. GRCh37 (hg19) VCF-style: chr19-14262060-C-G.
Other names: c.4050G>C, p.Gln1350His (NM_001008701.3); short protein forms Q1345H, Q1350H.
Identifiers: ClinVar variation 4084837 (VCV004084837.8).